The following is an entry in ClinVar:

ClinVar aggregate classification (germline): Uncertain significance (1 of 4 stars; one submission).

Conditions:
NRXN3-related disorder. Also called: NRXN3-related condition.

Submission:

3billion
Classification: Uncertain significance for NRXN3-related disorder. Last evaluated: 2025-11-10. Review status: criteria provided, single submitter. Criteria: ACMG Guidelines, 2015. Collection method: clinical testing. Allele origin: germline. Affected: yes.
Comment: The variant is not observed in the gnomAD v4.1.0 dataset. Predicted Consequence/Location: Canonical splice site: predicted to alter splicing and result in a loss or disruption of normal protein function. Multiple pathogenic loss-of-function variants are reported downstream of the variant. Therefore, this variant is classified as VUS according to the recommendation of ACMG/AMP guideline.

NM_001330195.2(NRXN3):c.3444+1G>A

Gene: NRXN3 (neurexin 3; plus strand). Cytogenetic location: 14q31.1.
Variant type: single nucleotide variant.
Coding change: c.3444+1G>A on transcript NM_001330195.2 (MANE Select); the canonical splice donor site of the intron after coding-DNA position 3444, G replaced by A.
Molecular consequence: splice donor variant.
Genome position (GRCh38, 1-based): chr14:79,467,403, G>A. VCF-style: chr14-79467403-G-A. GRCh37 (hg19) VCF-style: chr14-79933746-G-A.
Other names: c.3456+1G>A (NM_001366426.1); c.3444+1G>A (NM_001366425.1); c.2325+1G>A (NM_004796.6); c.429+1G>A (NM_001105250.3, NM_138970.5, NM_001272020.2).
Identifiers: ClinVar variation 4856261 (VCV004856261.1).